The following is an entry in ClinVar:

NM_000256.3(MYBPC3):c.2714G>A (p.Ser905Asn)

Gene: MYBPC3 (myosin binding protein C3; minus strand). Cytogenetic location: 11p11.2.
Variant type: single nucleotide variant.
Coding change: c.2714G>A on transcript NM_000256.3 (MANE Select); coding-DNA position 2714, G replaced by A.
Protein change: p.Ser905Asn; replaces serine 905 with asparagine.
Molecular consequence: missense variant.
Genome position (GRCh38, 1-based): chr11:47,335,900, C>T on the plus strand (G>A on the coding strand, the complement: MYBPC3 is on the minus strand). VCF-style: chr11-47335900-C-T. GRCh37 (hg19) VCF-style: chr11-47357451-C-T.
Other names: short protein forms S905N.
Identifiers: ClinVar variation 42654 (VCV000042654.23), dbSNP rs397515983, ClinGen allele CA012869.

ClinVar aggregate classification (germline): Conflicting classifications of pathogenicity. Review status: criteria provided, conflicting classifications (1 of 4 stars). 9 submissions from 9 submitters: Uncertain significance (8); Likely benign (1). Last evaluated 2026-07-30.

Conditions:
MYBPC3-related disorder. Also called: MYBPC3-related disorders; MYBPC3-related condition; MYBPC3-related disease.
Cardiovascular phenotype. Identifiers: MedGen CN230736.
Cardiomyopathy (CMYO). Also called: Cardiomyopathies. Identifiers: Orphanet 167848, MedGen C0878544, MONDO:0004994, HP:0001638. Inheritance: Various modes of inheritance.
Hypertrophic cardiomyopathy. Also called: HYPERTROPHIC MYOCARDIOPATHY. Identifiers: Orphanet 217569, MedGen C0007194, MeSH D002312, MONDO:0005045, HP:0001639.

Allele frequency attached by ClinVar (database versions not stated): gnomAD 0.00001; TOPMed 0.00001; gnomAD exomes 0.00002 and 0.00005.
gnomAD v4.1: 70 of 1,538,762 alleles (0.0045%); highest among the groups gnomAD compares: Non-Finnish European, 0.0061%; no homozygotes.

Submissions (9):

PreventionGenetics, part of Exact Sciences
Classification: Uncertain significance for MYBPC3-related condition. Last evaluated: 2026-07-30. Review status: criteria provided, single submitter. Criteria: ACMG Guidelines, 2015. Collection method: clinical testing. Allele origin: germline.
Comment: The MYBPC3 c.2714G>A variant is predicted to result in the amino acid substitution p.Ser905Asn. This variant has been reported as a variant of uncertain significance in a hypertrophic cardiomyopathy cohort (Table S21, Harper et al. 2021. PubMed ID: 33495597). This variant is reported in 0.0049% of alleles in individuals of European (Non-Finnish) descent in gnomAD. At this time, the clinical significance of this variant is uncertain due to the absence of conclusive functional and genetic evidence.

Labcorp Genetics (formerly Invitae), Labcorp
Classification: Uncertain significance for Hypertrophic cardiomyopathy. Last evaluated: 2026-01-15. Review status: criteria provided, single submitter. Criteria: Invitae Variant Classification Sherloc (09022015). Collection method: clinical testing. Allele origin: germline.
Comment: This sequence change replaces serine, which is neutral and polar, with asparagine, which is neutral and polar, at codon 905 of the MYBPC3 protein (p.Ser905Asn). This variant is present in population databases (rs397515983, gnomAD 0.005%). This variant has not been reported in the literature in individuals affected with MYBPC3-related conditions. ClinVar contains an entry for this variant (Variation ID: 42654). An algorithm developed to predict the effect of missense changes on protein structure and function (PolyPhen-2) suggests that this variant is likely to be tolerated. In summary, the available evidence is currently insufficient to determine the role of this variant in disease. Therefore, it has been classified as a Variant of Uncertain Significance.

Color Diagnostics, LLC DBA Color Health
Classification: Uncertain significance for Cardiomyopathy. Last evaluated: 2025-11-26. Review status: criteria provided, single submitter. Criteria: ACMG Guidelines, 2015. Collection method: clinical testing. Allele origin: germline.
Comment: This missense variant replaces serine with asparagine at codon 905 of the MYBPC3 protein. Computational prediction suggests that this variant may not impact protein structure and function. To our knowledge, functional studies have not been reported for this variant. This variant has been reported in a hypertrophic cardiomyopathy study cohort (PMID: 33495597). This variant has been identified in 70/1538762 chromosomes in the general population by the Genome Aggregation Database (gnomAD). The available evidence is insufficient to determine the role of this variant in disease conclusively. Therefore, this variant is classified as a Variant of Uncertain Significance.

Ambry Genetics
Classification: Likely benign for Cardiovascular phenotype. Last evaluated: 2025-08-14. Review status: criteria provided, single submitter. Criteria: Ambry Variant Classification Scheme 2023. Collection method: clinical testing. Allele origin: germline.

ARUP Laboratories, Molecular Genetics and Genomics, ARUP Laboratories
Classification: Uncertain significance. Last evaluated: 2024-11-21. Review status: criteria provided, single submitter. Criteria: ARUP Molecular Germline Variant Investigation Process 2024. Collection method: clinical testing. Allele origin: germline.
Comment: The MYBPC3 c.2714G>A; p.Ser905Asn variant (rs397515983), to our knowledge, is not reported in the medical literature but is reported in ClinVar (Variation ID: 42654). This variant is only observed on one allele in the Genome Aggregation Database (v2.1.1), indicating it is not a common polymorphism. Computational analyses predict that this variant is neutral (REVEL: 0.036). Due to limited information, the clinical significance of this variant is uncertain at this time.

All of Us Research Program, National Institutes of Health
Classification: Uncertain significance for Hypertrophic cardiomyopathy. Last evaluated: 2024-07-20. Review status: criteria provided, single submitter. Criteria: ACMG Guidelines, 2015. Collection method: clinical testing. Allele origin: germline. Inheritance: Autosomal dominant inheritance. Observed: 6 variant alleles, 6 heterozygotes.
Comment: Variant of Uncertain Significance due to insufficient evidence: This missense variant is located in the fibronectin type 3 domain C7 of the MYBPC3 protein. Computational prediction tools and conservation analyses are inconclusive regarding the impact of this variant on the protein function. Computational splicing tools suggest that this variant may not impact RNA splicing. To our knowledge, functional assays have not been performed for this variant nor has this variant been reported in individuals affected with cardiovascular disorders in the literature. This variant has been identified in 3/148288 chromosomes in the general population by the Genome Aggregation Database (gnomAD). Available evidence is insufficient to determine the role of this variant in disease conclusively.

This study involves interpretation of variants in research participants for the purpose of population health screening. Participant phenotype was not available at the time of variant classification. Additional details can be found in publication PMID: 35346344, PMCID: PMC8962531

Blueprint Genetics
Classification: Uncertain significance. Last evaluated: 2024-07-12. Review status: criteria provided, single submitter. Criteria: ACMG Guidelines, 2015. Collection method: clinical testing. Allele origin: germline.

GeneDx
Classification: Uncertain significance. Last evaluated: 2022-05-20. Review status: criteria provided, single submitter. Criteria: GeneDx Variant Classification Process June 2021. Collection method: clinical testing. Allele origin: germline. Affected: yes.
Comment: Has not been previously published as pathogenic or benign to our knowledge; Not observed at significant frequency in large population cohorts (gnomAD); In silico analysis supports that this missense variant does not alter protein structure/function

Laboratory for Molecular Medicine, Mass General Brigham Personalized Medicine
Classification: Uncertain significance. Last evaluated: 2015-08-10. Review status: criteria provided, single submitter. Criteria: LMM Criteria. Collection method: clinical testing. Allele origin: germline. Observed: 3 variant alleles.
Comment: proposed classification - variant undergoing re-assessment, contact laboratory

Literature cited by the submitters: PubMed 33495597 (cited by Color Diagnostics, LLC DBA Color Health and Ambry Genetics).